The following is an entry in ClinVar:

ClinVar aggregate classification (germline): Likely benign. Review status: criteria provided, multiple submitters, no conflicts (2 of 4 stars). 2 submissions from 2 submitters: Likely benign (2). Last evaluated 2018-06-16.

Allele frequency attached by ClinVar (database versions not stated): 1000 Genomes Project 0.00399; 1000 Genomes Project 30x 0.00406; TOPMed 0.00700; gnomAD 0.00714 and 0.00722; gnomAD exomes 0.00908.
gnomAD v4.1: 9,505 of 1,083,666 alleles (0.88%); highest among the groups gnomAD compares: Middle Eastern, 1.5%; 50 homozygotes.

Submissions (2):

GeneDx
Classification: Likely benign. Last evaluated: 2018-06-16. Review status: criteria provided, single submitter. Criteria: GeneDx Variant Classification (06012015). Collection method: clinical testing. Allele origin: germline. Affected: yes.
Comment: This variant is considered likely benign or benign based on one or more of the following criteria: it is a conservative change, it occurs at a poorly conserved position in the protein, it is predicted to be benign by multiple in silico algorithms, and/or has population frequency not consistent with disease.

Breakthrough Genomics
Classification: Likely benign. Review status: criteria provided, single submitter. Criteria: ACMG Guidelines, 2015. Collection method: not provided. Allele origin: germline. Inheritance: Autosomal recessive inheritance. Affected: yes.

NM_005682.7(ADGRG1):c.1286+79G>A

Gene: ADGRG1 (adhesion G protein-coupled receptor G1; plus strand). Cytogenetic location: 16q21.
Variant type: single nucleotide variant.
Coding change: c.1286+79G>A on transcript NM_005682.7; 79 bases into the intron after coding-DNA position 1286, G replaced by A.
Genome position (GRCh38, 1-based): chr16:57,657,570, G>A. VCF-style: chr16-57657570-G-A. GRCh37 (hg19) VCF-style: chr16-57691482-G-A.
Other names: c.1286+79G>A (NM_001370440.1, NM_001370428.1, NM_001370436.1 and 14 more transcripts); c.776+79G>A (NM_001290142.2); c.761+79G>A (NM_001370451.1, NM_001290143.2, NM_001370453.1 and 2 more transcripts); c.1283+79G>A (NM_001370434.1, NM_001370441.1); c.1130+79G>A (NM_001370442.1); c.1301+79G>A (NM_001370433.1, NM_001145773.3).
Identifiers: ClinVar variation 677808 (VCV000677808.3), dbSNP rs118098232, ClinGen allele CA281579361.
Genomic context (GRCh38, chr16:57,657,570, plus strand): 5'-GGGACAGGGGAGGGGACCCTCCATTGCACACACCTCCACCAGGGCGCCGCACACATCTCC[G>A]GTCATGGCCCGCCCGCATGACCTGGAACTGTGTGTGTGGTTAGGGGAGCTGTTTGGGGTA-3'